The following is an entry in ClinVar:

ClinVar aggregate classification (germline): Uncertain significance (1 of 4 stars; one submission).

Conditions:
Hereditary cancer-predisposing syndrome. Also called: Neoplastic Syndromes, Hereditary; Hereditary Cancer Syndrome; Hereditary neoplastic syndrome; Tumor predisposition. Identifiers: Orphanet 140162, MedGen C0027672, MeSH D009386, MONDO:0015356.

Submission:

Ambry Genetics
Classification: Uncertain significance for Hereditary cancer-predisposing syndrome. Last evaluated: 2026-03-18. Review status: criteria provided, single submitter. Criteria: Ambry Variant Classification Scheme 2023. Collection method: clinical testing. Allele origin: germline.
Comment: The p.R59G variant (also known as c.175C>G), located in coding exon 1 of the FLCN gene, results from a C to G substitution at nucleotide position 175. The arginine at codon 59 is replaced by glycine, an amino acid with dissimilar properties. This amino acid position is well conserved in available vertebrate species. In addition, the in silico prediction for this alteration is inconclusive. Based on the available evidence, the clinical significance of this variant remains unclear.

NM_144997.7(FLCN):c.175C>G (p.Arg59Gly)

Gene: FLCN (folliculin; minus strand). Cytogenetic location: 17p11.2.
Variant type: single nucleotide variant.
Coding change: c.175C>G on transcript NM_144997.7 (MANE Select); coding-DNA position 175, C replaced by G.
Protein change: p.Arg59Gly; replaces arginine 59 with glycine.
Molecular consequence: missense variant.
Genome position (GRCh38, 1-based): chr17:17,227,963, G>C on the plus strand (C>G on the coding strand, the complement: FLCN is on the minus strand). VCF-style: chr17-17227963-G-C. GRCh37 (hg19) VCF-style: chr17-17131277-G-C.
Other names: c.175C>G, p.Arg59Gly (NM_001353229.2, NM_001353230.2, NM_001353231.2 and 1 more transcripts); short protein forms R59G.
Identifiers: ClinVar variation 4871368 (VCV004871368.1).
Genomic context (GRCh38, chr17:17,227,963, plus strand): 5'-ACTTTTTGGGCCCCGGGCTGCTGGACTCGACGCTGGCCCCCTCTGCGGGGCTGTGCGCAC[G>C]CATCCGACTGTTCATCTGAATGCCACCTTCCTCTTCTTCCGCCTGCTCACCCTGGCCAGG-3'
Protein context (NP_659434.2, residues 49-69): EGGIQMNSRM[Arg59Gly]AHSPAEGASV